The following is an entry in ClinVar:

NM_002203.4(ITGA2):c.1807-6T>C

Gene: ITGA2 (integrin subunit alpha 2; plus strand). Cytogenetic location: 5q11.2.
Variant type: single nucleotide variant.
Coding change: c.1807-6T>C on transcript NM_002203.4 (MANE Select); 6 bases into the intron before coding-DNA position 1807, T replaced by C.
Molecular consequence: intron variant. On other transcripts: non-coding transcript variant (1).
Genome position (GRCh38, 1-based): chr5:53,065,835, T>C. VCF-style: chr5-53065835-T-C. GRCh37 (hg19) VCF-style: chr5-52361665-T-C.
Identifiers: ClinVar variation 353758 (VCV000353758.17), dbSNP rs3212555, ClinGen allele CA3263008.

ClinVar aggregate classification (germline): Benign/Likely benign. Review status: criteria provided, multiple submitters, no conflicts (2 of 4 stars). 3 submissions from 3 submitters: Benign (2); Likely benign (1). Last evaluated 2026-05-01.

Conditions:
Platelet-type bleeding disorder 9 (BDPLT9). Also called: GLYCOPROTEIN Ia DEFICIENCY; GP Ia DEFICIENCY; COLLAGEN PLATELET RECEPTOR DEFICIENCY. Identifiers: Orphanet 73271, Orphanet 98886, MedGen C3280114, MONDO:0013622, OMIM 614200.

Allele frequency attached by ClinVar (database versions not stated): 1000 Genomes Project 30x 0.00078; 1000 Genomes Project 0.00100; TOPMed 0.00313; gnomAD 0.00323 and 0.00346; ESP Exome Variant Server 0.00454.
gnomAD v4.1: 7,980 of 1,611,764 alleles (0.5%); highest among the groups gnomAD compares: Non-Finnish European, 0.64%; 28 homozygotes.

Submissions (3):

CeGaT Center for Human Genetics Tuebingen
Classification: Likely benign. Last evaluated: 2026-05-01. Review status: criteria provided, single submitter. Criteria: CeGaT Center For Human Genetics Tuebingen Variant Classification Criteria Version 2. Collection method: clinical testing. Allele origin: germline. Affected: yes. Observed: 2 variant alleles.
Comment: ITGA2: BP4, BS2

Labcorp Genetics (formerly Invitae), Labcorp
Classification: Benign. Last evaluated: 2019-12-31. Review status: criteria provided, single submitter. Criteria: Invitae Variant Classification Sherloc (09022015). Collection method: clinical testing. Allele origin: germline.

Illumina Laboratory Services, Illumina
Classification: Benign for Platelet-type bleeding disorder 9. Last evaluated: 2018-01-13. Review status: criteria provided, single submitter. Criteria: ICSL Variant Classification Criteria 13 December 2019. Collection method: clinical testing. Allele origin: germline.
Comment: This variant was observed in the ICSL laboratory as part of a predisposition screen in an ostensibly healthy population. It had not been previously curated by ICSL or reported in the Human Gene Mutation Database (HGMD: prior to June 1st, 2018), and was therefore a candidate for classification through an automated scoring system. Utilizing variant allele frequency, disease prevalence and penetrance estimates, and inheritance mode, an automated score was calculated to assess if this variant is too frequent to cause the disease. Based on the score and internal cut-off values, a variant classified as benign is not then subjected to further curation. The score for this variant resulted in a classification of benign for this disease.